The following is an entry in ClinVar:

NM_024675.4(PALB2):c.2376A>T (p.Ser792=)

Gene: PALB2 (partner and localizer of BRCA2; minus strand). Cytogenetic location: 16p12.2.
Variant type: single nucleotide variant.
Coding change: c.2376A>T on transcript NM_024675.4 (MANE Select); coding-DNA position 2376, A replaced by T.
Protein change: p.Ser792=; no amino-acid change (serine 792 retained).
Molecular consequence: synonymous variant. On other transcripts: intron variant (1).
Genome position (GRCh38, 1-based): chr16:23,629,778, T>A on the plus strand (A>T on the coding strand, the complement: PALB2 is on the minus strand). VCF-style: chr16-23629778-T-A. GRCh37 (hg19) VCF-style: chr16-23641099-T-A.
Other names: c.2316A>T, p.Ser772= (NM_001407296.1); c.2376A>T, p.Ser792= (NM_001407297.1, NM_001407298.1, NM_001407299.1 and 3 more transcripts); c.1491A>T, p.Ser497= (NM_001407304.1, NM_001407305.1, NM_001407306.1 and 5 more transcripts); c.588A>T, p.Ser196= (NM_001407312.1, NM_001407313.1); c.49-503A>T (NM_001407314.1).
Identifiers: ClinVar variation 3904052 (VCV003904052.1).

ClinVar aggregate classification (germline): Benign (1 of 4 stars; one submission).

Conditions:
Familial cancer of breast. Also called: Hereditary breast cancer; hereditary breast carcinoma; BREAST CANCER, FAMILIAL. Identifiers: Orphanet 227535, MedGen C0346153, MONDO:0016419, OMIM 114480. Disease mechanism: loss of function.

Submission:

Myriad Genetics, Inc.
Classification: Benign for Familial cancer of breast. Last evaluated: 2025-01-16. Review status: criteria provided, single submitter. Criteria: Myriad Autosomal Dominant, Autosomal Recessive and X-Linked Classification Criteria (2023). Collection method: clinical testing. Allele origin: unknown.
Comment: This variant is considered benign. This variant is a silent/synonymous amino acid change and it is not expected to impact splicing.